The following is an entry in ClinVar:

ClinVar aggregate classification (germline): Uncertain significance (1 of 4 stars; one submission).

Submission:

GeneDx
Classification: Uncertain significance. Last evaluated: 2023-01-17. Review status: criteria provided, single submitter. Criteria: GeneDx Variant Classification Process June 2021. Collection method: clinical testing. Allele origin: germline. Affected: yes.
Comment: Not observed at significant frequency in large population cohorts (gnomAD); Splicing analysis is inconclusive as to whether the variant alters gene splicing; in the absence of RNA/functional studies, the actual effect of this sequence change is unknown; In silico analysis supports that this missense variant has a deleterious effect on protein structure/function; Has not been previously published as pathogenic or benign to our knowledge

NM_004100.5(EYA4):c.1501G>A (p.Gly501Arg)

Genes: EYA4 (EYA transcriptional coactivator and phosphatase 4; plus strand), TARID (TCF21 antisense RNA inducing promoter demethylation; minus strand). Cytogenetic location: 6q23.2.
Variant type: single nucleotide variant.
Coding change: c.1501G>A on transcript NM_004100.5 (MANE Select); coding-DNA position 1501, G replaced by A.
Protein change: p.Gly501Arg; replaces glycine 501 with arginine.
Molecular consequence: missense variant.
Genome position (GRCh38, 1-based): chr6:133,513,038, G>A. VCF-style: chr6-133513038-G-A. GRCh37 (hg19) VCF-style: chr6-133834176-G-A.
Other names: c.1339G>A, p.Gly447Arg (NM_001301012.2); c.1519G>A, p.Gly507Arg (NM_001301013.2); c.1432G>A, p.Gly478Arg (NM_001370458.1, NM_172103.4); c.1357G>A, p.Gly453Arg (NM_001370459.1); c.1501G>A, p.Gly501Arg (NM_172105.4); short protein forms G447R, G453R, G478R, G501R, G507R.
Identifiers: ClinVar variation 2573697 (VCV002573697.1), dbSNP rs2535342364, ClinGen allele CA365715617.